The following is an entry in ClinVar:

NM_017999.5(RNF31):c.1954G>A (p.Ala652Thr)

Gene: RNF31 (ring finger protein 31; plus strand). Cytogenetic location: 14q12.
Variant type: single nucleotide variant.
Coding change: c.1954G>A on transcript NM_017999.5 (MANE Select); coding-DNA position 1954, G replaced by A.
Protein change: p.Ala652Thr; replaces alanine 652 with threonine.
Molecular consequence: missense variant.
Genome position (GRCh38, 1-based): chr14:24,151,816, G>A. VCF-style: chr14-24151816-G-A. GRCh37 (hg19) VCF-style: chr14-24621025-G-A.
Other names: c.1501G>A, p.Ala501Thr (NM_001310332.2); c.1954G>A (NM_017999.4); short protein forms A652T, A501T.
Identifiers: ClinVar variation 1416907 (VCV001416907.8), dbSNP rs201544567, ClinGen allele CA7125946.
Genomic context (GRCh38, chr14:24,151,816, plus strand): 5'-CTTCCCCCCTCCACCTGAATCATATTGCAGAGCCTGGTCAGGCGGCTTTTGGCAGTCTAC[G>A]CACTCCCCAGCTGGGGCCGGGCAGAGCTGGCACTGTCACTGCTGCAGGAGACACCCAGGA-3'
Protein context (NP_060469.4, residues 642-662): SLVRRLLAVY[Ala652Thr]LPSWGRAELA

ClinVar aggregate classification (germline): Conflicting classifications of pathogenicity. Review status: criteria provided, conflicting classifications (1 of 4 stars). 3 submissions from 3 submitters: Uncertain significance (2); Likely benign (1). Last evaluated 2025-09-08.

Allele frequency attached by ClinVar (database versions not stated): gnomAD 0.00002; TOPMed 0.00002; gnomAD exomes 0.00004 and 0.00006; ExAC 0.00006; ESP Exome Variant Server 0.00016.
gnomAD v4.1: 88 of 1,613,036 alleles (0.0055%); highest among the groups gnomAD compares: Middle Eastern, 0.016%; no homozygotes.

Submissions (3):

Labcorp Genetics (formerly Invitae), Labcorp
Classification: Uncertain significance. Last evaluated: 2025-09-08. Review status: criteria provided, single submitter. Criteria: Invitae Variant Classification Sherloc (09022015). Collection method: clinical testing. Allele origin: germline.
Comment: This sequence change replaces alanine, which is neutral and non-polar, with threonine, which is neutral and polar, at codon 652 of the RNF31 protein (p.Ala652Thr). This variant is present in population databases (rs201544567, gnomAD 0.009%). This variant has not been reported in the literature in individuals affected with RNF31-related conditions. ClinVar contains an entry for this variant (Variation ID: 1416907). An algorithm developed to predict the effect of missense changes on protein structure and function outputs the following: PolyPhen-2: "Benign". The threonine amino acid residue is found in multiple mammalian species, which suggests that this missense change does not adversely affect protein function. In summary, the available evidence is currently insufficient to determine the role of this variant in disease. Therefore, it has been classified as a Variant of Uncertain Significance.

Ambry Genetics
Classification: Uncertain significance. Last evaluated: 2024-09-03. Review status: criteria provided, single submitter. Criteria: Ambry Variant Classification Scheme 2023. Collection method: clinical testing. Allele origin: germline.

Blueprint Genetics
Classification: Likely benign. Last evaluated: 2023-12-11. Review status: criteria provided, single submitter. Criteria: ACMG Guidelines, 2015. Collection method: clinical testing. Allele origin: germline.